The following is an entry in ClinVar:

ClinVar aggregate classification (germline): Uncertain significance (1 of 4 stars; one submission).

Submission:

CeGaT Center for Human Genetics Tuebingen
Classification: Uncertain significance. Last evaluated: 2025-10-01. Review status: criteria provided, single submitter. Criteria: CeGaT Center For Human Genetics Tuebingen Variant Classification Criteria Version 2. Collection method: clinical testing. Allele origin: germline. Affected: yes. Observed: 1 variant allele.
Comment: COL1A2: PM2

NM_000089.4(COL1A2):c.-9G>A

Gene: COL1A2 (collagen type I alpha 2 chain; plus strand). Cytogenetic location: 7q21.3.
Variant type: single nucleotide variant.
Coding change: c.-9G>A on transcript NM_000089.4 (MANE Select); 9 bases upstream of the start codon, G replaced by A.
Molecular consequence: 5 prime UTR variant.
Genome position (GRCh38, 1-based): chr7:94,395,023, G>A. VCF-style: chr7-94395023-G-A. GRCh37 (hg19) VCF-style: chr7-94024335-G-A.
Identifiers: ClinVar variation 4534923 (VCV004534923.6).